The following is an entry in ClinVar:

ClinVar aggregate classification (germline): Uncertain significance (1 of 4 stars; one submission).

Conditions:
Inborn genetic diseases. Identifiers: MedGen C0950123, MeSH D030342.

Submission:

Ambry Genetics
Classification: Uncertain significance for Inborn genetic diseases. Last evaluated: 2021-10-14. Review status: criteria provided, single submitter. Criteria: Ambry Variant Classification Scheme 2023. Collection method: clinical testing. Allele origin: germline.
Comment: The p.A1004V variant (also known as c.3011C>T), located in coding exon 15 of the ATR gene, results from a C to T substitution at nucleotide position 3011. The alanine at codon 1004 is replaced by valine, an amino acid with similar properties. This amino acid position is conserved. In addition, the in silico prediction for this alteration is inconclusive. Since supporting evidence is limited at this time, the clinical significance of this alteration remains unclear.

NM_001184.4(ATR):c.3011C>T (p.Ala1004Val)

Gene: ATR (ATR checkpoint kinase; minus strand). Cytogenetic location: 3q23.
Variant type: single nucleotide variant.
Coding change: c.3011C>T on transcript NM_001184.4 (MANE Select); coding-DNA position 3011, C replaced by T.
Protein change: p.Ala1004Val; replaces alanine 1004 with valine.
Molecular consequence: missense variant.
Genome position (GRCh38, 1-based): chr3:142,549,639, G>A on the plus strand (C>T on the coding strand, the complement: ATR is on the minus strand). VCF-style: chr3-142549639-G-A. GRCh37 (hg19) VCF-style: chr3-142268481-G-A.
Other names: c.2819C>T, p.Ala940Val (NM_001354579.2); short protein forms A1004V, A940V.
Identifiers: ClinVar variation 1798813 (VCV001798813.2), dbSNP rs2108455060, ClinGen allele CA354812532.